The following is an entry in ClinVar:

ClinVar aggregate classification (germline): Pathogenic (1 of 4 stars; one submission).

Conditions:
Hypertrophic cardiomyopathy. Also called: HYPERTROPHIC MYOCARDIOPATHY. Identifiers: Orphanet 217569, MedGen C0007194, MeSH D002312, MONDO:0005045, HP:0001639.

Submission:

Laboratory for Molecular Medicine, Mass General Brigham Personalized Medicine
Classification: Pathogenic for Hypertrophic cardiomyopathy. Last evaluated: 2019-01-28. Review status: criteria provided, single submitter. Criteria: ACMG Guidelines, 2015. Collection method: clinical testing. Allele origin: germline. Inheritance: Autosomal dominant inheritance.
Comment: The p.Lys1000fs variant in MYBPC3 has not been previously identified in individuals with cardiomyopathy or in the general population. This variant is predicted to cause a frameshift, which alters the protein’s amino acid sequence beginning at position 1000 and leads to a premature termination codon 51 amino acids downstream. This alteration is then predicted to lead to a truncated or absent protein. Heterozygous loss of function of function of the MYBPC3 gene is an established disease mechanism in individuals with HCM. In summary, this variant meets our criteria to be classified as pathogenic based on the predicted impact of the variant.

NC_000011.10:g.47333753dup

Gene: MYBPC3 (myosin binding protein C3; minus strand). Cytogenetic location: 11p11.2.
Variant type: Duplication.
Genome position: GRCh38 VCF-style: chr11-47333750-G-GC. GRCh37 (hg19) VCF-style: chr11-47355301-G-GC.
Identifiers: ClinVar variation 3076026 (VCV003076026.1), dbSNP rs2495742220, ClinGen allele CA913187679.
Genomic context (GRCh38, chr11:47,333,750, plus strand): 5'-CACCTCCTCGCCTGCCAGGGGCTGCCCCTCTTTGGTCCAGGTCACCTGAGGCCGGGGCTT[G>GC]CCCTGAGGGGAGGAAAAGCTTAACCCTGAACCTGGATCACTCCAAGGGCCGGCCGCCACC-3'